The following is an entry in ClinVar:

NM_007055.4(POLR3A):c.3309G>A (p.Gly1103=)

Genes: POLR3A (RNA polymerase III subunit A; minus strand), LOC126860970 (BRD4-independent group 4 enhancer GRCh37_chr10:79743812-79745011; plus strand). Cytogenetic location: 10q22.3.
Variant type: single nucleotide variant.
Coding change: c.3309G>A on transcript NM_007055.4 (MANE Select); coding-DNA position 3309, G replaced by A.
Protein change: p.Gly1103=; no amino-acid change (glycine 1103 retained).
Molecular consequence: synonymous variant.
Genome position (GRCh38, 1-based): chr10:77,984,232, C>T on the plus strand (G>A on the coding strand, the complement: POLR3A is on the minus strand). VCF-style: chr10-77984232-C-T. GRCh37 (hg19) VCF-style: chr10-79743990-C-T.
Identifiers: ClinVar variation 794498 (VCV000794498.10), dbSNP rs908337899, ClinGen allele CA210190256.

ClinVar aggregate classification (germline): Likely benign. Review status: criteria provided, multiple submitters, no conflicts (2 of 4 stars). 2 submissions from 2 submitters: Likely benign (2). Last evaluated 2026-07-01.

Allele frequency attached by ClinVar (database versions not stated): gnomAD 0.00001; gnomAD exomes 0.00001 and 0.00002; TOPMed 0.00003.
gnomAD v4.1: 20 of 1,611,576 alleles (0.0012%); highest among the groups gnomAD compares: Non-Finnish European, 0.0015%; no homozygotes.

Submissions (2):

CeGaT Center for Human Genetics Tuebingen
Classification: Likely benign. Last evaluated: 2026-07-01. Review status: criteria provided, single submitter. Criteria: CeGaT Center For Human Genetics Tuebingen Variant Classification Criteria Version 2. Collection method: clinical testing. Allele origin: germline. Affected: yes. Observed: 1 variant allele.
Comment: POLR3A: BP4, BP7

Labcorp Genetics (formerly Invitae), Labcorp
Classification: Likely benign. Last evaluated: 2025-12-11. Review status: criteria provided, single submitter. Criteria: Invitae Variant Classification Sherloc (09022015). Collection method: clinical testing. Allele origin: germline.